The following is an entry in ClinVar:

ClinVar aggregate classification (germline): Uncertain significance (1 of 4 stars; one submission).

Conditions:
Charcot-Marie-Tooth disease type 2. Also called: Charcot-Marie-Tooth type 2. Identifiers: Orphanet 64746, MedGen C0270914, MONDO:0018993.

Allele frequency attached by ClinVar (database versions not stated): TOPMed 0.00002; gnomAD 0.00003; ExAC 0.00004; gnomAD exomes 0.00001.
gnomAD v4.1: 15 of 1,596,408 alleles (0.00094%); highest among the groups gnomAD compares: South Asian, 0.009%; 1 homozygote.

Submission:

Labcorp Genetics (formerly Invitae), Labcorp
Classification: Uncertain significance for Charcot-Marie-Tooth disease type 2. Last evaluated: 2022-01-21. Review status: criteria provided, single submitter. Criteria: Invitae Variant Classification Sherloc (09022015). Collection method: clinical testing. Allele origin: germline.
Comment: In summary, the available evidence is currently insufficient to determine the role of this variant in disease. Therefore, it has been classified as a Variant of Uncertain Significance. Algorithms developed to predict the effect of sequence changes on RNA splicing suggest that this variant may create or strengthen a splice site. Algorithms developed to predict the effect of missense changes on protein structure and function are either unavailable or do not agree on the potential impact of this missense change (SIFT: "Deleterious"; PolyPhen-2: "Possibly Damaging"; Align-GVGD: "Class C0"). This variant has not been reported in the literature in individuals affected with MED25-related conditions. The frequency data for this variant in the population databases is considered unreliable, as metrics indicate poor data quality at this position in the gnomAD database. This sequence change replaces arginine, which is basic and polar, with glutamine, which is neutral and polar, at codon 711 of the MED25 protein (p.Arg711Gln).

NM_030973.4(MED25):c.2132G>A (p.Arg711Gln)

Gene: MED25 (mediator complex subunit 25; plus strand). Cytogenetic location: 19q13.33.
Variant type: single nucleotide variant.
Coding change: c.2132G>A on transcript NM_030973.4 (MANE Select); coding-DNA position 2132, G replaced by A.
Protein change: p.Arg711Gln; replaces arginine 711 with glutamine.
Molecular consequence: missense variant.
Genome position (GRCh38, 1-based): chr19:49,836,392, G>A. VCF-style: chr19-49836392-G-A. GRCh37 (hg19) VCF-style: chr19-50339649-G-A.
Other names: c.2132G>A, p.Arg711Gln (NM_001378355.1); short protein forms R711Q.
Identifiers: ClinVar variation 2042339 (VCV002042339.4), dbSNP rs767673656, ClinGen allele CA9585482.